The following is an entry in ClinVar:

NM_001384910.1(GUCA1A):c.438C>G (p.Asn146Lys)

Genes: GUCA1A (guanylate cyclase activator 1A; plus strand), GUCA1ANB-GUCA1A (GUCA1ANB-GUCA1A readthrough; plus strand). Cytogenetic location: 6p21.1.
Variant type: single nucleotide variant.
Coding change: c.438C>G on transcript NM_001384910.1 (MANE Select); coding-DNA position 438, C replaced by G.
Protein change: p.Asn146Lys; replaces asparagine 146 with lysine.
Molecular consequence: missense variant.
Genome position (GRCh38, 1-based): chr6:42,178,888, C>G. VCF-style: chr6-42178888-C-G. GRCh37 (hg19) VCF-style: chr6-42146626-C-G.
Other names: c.438C>G, p.Asn146Lys (NM_000409.5, NM_001319061.2, NM_001319062.2); short protein forms N146K.
Identifiers: ClinVar variation 2002094 (VCV002002094.4), dbSNP rs1053287424, ClinGen allele CA364110026.

ClinVar aggregate classification (germline): Uncertain significance (1 of 4 stars; one submission).

Submission:

Labcorp Genetics (formerly Invitae), Labcorp
Classification: Uncertain significance. Last evaluated: 2025-09-14. Review status: criteria provided, single submitter. Criteria: Invitae Variant Classification Sherloc (09022015). Collection method: clinical testing. Allele origin: germline.
Comment: This sequence change replaces asparagine, which is neutral and polar, with lysine, which is basic and polar, at codon 146 of the GUCA1A protein (p.Asn146Lys). This variant is not present in population databases (gnomAD no frequency). This variant has not been reported in the literature in individuals affected with GUCA1A-related conditions. ClinVar contains an entry for this variant (Variation ID: 2002094). An algorithm developed to predict the effect of missense changes on protein structure and function (PolyPhen-2) suggests that this variant is likely to be disruptive. In summary, the available evidence is currently insufficient to determine the role of this variant in disease. Therefore, it has been classified as a Variant of Uncertain Significance.